The following is an entry in ClinVar:

NM_016239.4(MYO15A):c.2194C>T (p.Pro732Ser)

Gene: MYO15A (myosin XVA; plus strand). Cytogenetic location: 17p11.2.
Variant type: single nucleotide variant.
Coding change: c.2194C>T on transcript NM_016239.4 (MANE Select); coding-DNA position 2194, C replaced by T.
Protein change: p.Pro732Ser; replaces proline 732 with serine.
Molecular consequence: missense variant.
Genome position (GRCh38, 1-based): chr17:18,120,994, C>T. VCF-style: chr17-18120994-C-T. GRCh37 (hg19) VCF-style: chr17-18024308-C-T.
Other names: short protein forms P732S.
Identifiers: ClinVar variation 392812 (VCV000392812.47), dbSNP rs376451611, ClinGen allele CA8423236.

ClinVar aggregate classification (germline): Conflicting classifications of pathogenicity. Review status: criteria provided, conflicting classifications (1 of 4 stars). 9 submissions from 9 submitters: Uncertain significance (3); Likely benign (5). 1 of the submissions does not count toward it. Last evaluated 2026-09-01.

Conditions:
MYO15A-related disorder. Also called: MYO15A-related condition.
Autosomal recessive nonsyndromic hearing loss 3. Also called: NEUROSENSORY NONSYNDROMIC RECESSIVE DEAFNESS 3. Identifiers: Orphanet 90636, MedGen C1838263, MONDO:0010860, OMIM 600316.

Allele frequency attached by ClinVar (database versions not stated): ExAC 0.00040; ESP Exome Variant Server 0.00055; 1000 Genomes Project 30x 0.00125; gnomAD 0.00132 and 0.00133; gnomAD exomes 0.00136; TOPMed 0.00156.
gnomAD v4.1: 3,499 of 1,503,696 alleles (0.23%); highest among the groups gnomAD compares: Non-Finnish European, 0.28%; 7 homozygotes.

Submissions (9):

CeGaT Center for Human Genetics Tuebingen
Classification: Likely benign. Last evaluated: 2026-09-01. Review status: criteria provided, single submitter. Criteria: CeGaT Center For Human Genetics Tuebingen Variant Classification Criteria Version 2. Collection method: clinical testing. Allele origin: germline. Affected: yes. Observed: 4 variant alleles.
Comment: MYO15A: BS2

Labcorp Genetics (formerly Invitae), Labcorp
Classification: Likely benign. Last evaluated: 2026-01-14. Review status: criteria provided, single submitter. Criteria: Invitae Variant Classification Sherloc (09022015). Collection method: clinical testing. Allele origin: germline.

Blueprint Genetics
Classification: Likely benign. Last evaluated: 2024-10-10. Review status: criteria provided, single submitter. Criteria: ACMG Guidelines, 2015. Collection method: clinical testing. Allele origin: germline.

Department of Pathology and Laboratory Medicine, Sinai Health System
Classification: Likely benign for Autosomal recessive nonsyndromic hearing loss 3. Last evaluated: 2021-07-30. Review status: criteria provided, single submitter. Criteria: ACMG Guidelines, 2015. Collection method: research. Allele origin: germline.

GeneDx
Classification: Likely benign. Last evaluated: 2021-05-03. Review status: criteria provided, single submitter. Criteria: GeneDx Variant Classification Process June 2021. Collection method: clinical testing. Allele origin: germline. Affected: yes.
Comment: This variant is associated with the following publications: (PMID: 27068579)

ARUP Laboratories, Molecular Genetics and Genomics, ARUP Laboratories
Classification: Uncertain significance for Autosomal recessive nonsyndromic hearing loss 3. Last evaluated: 2019-02-23. Review status: criteria provided, single submitter. Criteria: ARUP Molecular Germline Variant Investigation Process. Collection method: clinical testing. Allele origin: germline.
Comment: The p.Pro732Ser variant (rs376451611) has been previously identified in a cohort of patients with nonsyndromic hearing loss suspected to be of autosomal recessive inheritance (Sommen 2016). However, the p.Pro732Ser variant was found in a patient where a second pathogenic MYO15A variant was not identified, and the authors noted the weak amino acid conservation at the position and that a majority of pathogenicity predictors suggest this variant is benign (see below). This variant is also listed in the Genome Aggregation Database (gnomAD) browser with an overall frequency of 0.13% (identified in 174 out of 130,274 chromosomes, including 1 homozygote), and listed in the ClinVar database as a variant of uncertain significance (Variation ID: 392812). The proline at codon 732 is weakly conserved considering 11 species (Alamut software v2.8.1), and computational analyses suggest this variant does not have a significant effect on MYO15A protein structure/function (SIFT: tolerated, PolyPhen2: benign, and Mutation Taster: polymorphism). However, based on the available information, the clinical significance of the p.Pro732Ser variant cannot be determined with certainty.

Illumina Laboratory Services, Illumina
Classification: Uncertain significance for Autosomal recessive nonsyndromic hearing loss 3. Last evaluated: 2018-01-13. Review status: criteria provided, single submitter. Criteria: ICSL Variant Classification Criteria 13 December 2019. Collection method: clinical testing. Allele origin: germline.

Eurofins Ntd Llc (ga)
Classification: Uncertain significance. Last evaluated: 2017-07-17. Review status: criteria provided, single submitter. Criteria: EGL Classification Definitions 2015. Collection method: clinical testing. Allele origin: germline. Observed: 1 variant allele, 1 heterozygote.

PreventionGenetics, part of Exact Sciences
Classification: Likely benign for MYO15A-related condition. Last evaluated: 2022-10-14. Review status: no assertion criteria provided. Collection method: clinical testing. Allele origin: germline. Not counted in ClinVar's aggregate classification.
Comment: This variant is classified as likely benign based on ACMG/AMP sequence variant interpretation guidelines (Richards et al. 2015 PMID: 25741868, with internal and published modifications).